The following is an entry in ClinVar:

NM_003640.5(ELP1):c.804del (p.Phe268fs)

Gene: ELP1 (elongator acetyltransferase complex subunit 1; minus strand). Cytogenetic location: 9q31.3.
Variant type: Deletion.
Coding change: c.804del on transcript NM_003640.5 (MANE Select); coding-DNA position 804, one base deleted (T; older notation c.804delT).
Protein change: p.Phe268fs; shifts the reading frame from phenylalanine 268.
Molecular consequence: frameshift variant. On other transcripts: 5 prime UTR variant (1).
Genome position (GRCh38, 1-based): chr9:108,917,607, A deleted on the plus strand (T on the coding strand, the reverse complement: ELP1 is on the minus strand); the first of 6 consecutive A bases (chr9:108,917,607-108,917,612); deleting any one gives the same sequence. VCF-style (leftmost placement, unchanged base first): chr9-108917606-CA-C. GRCh37 (hg19) VCF-style: chr9-111679886-CA-C.
Other names: c.462del, p.Phe154fs (NM_001318360.2); c.-244del (NM_001330749.2); short protein forms F154fs, F268fs.
Identifiers: ClinVar variation 5015131 (VCV005015131.1).
Genomic context (GRCh38, chr9:108,917,606, plus strand): 5'-CCTTAACCTCATCTTTAAGGAAGGGAAGTGTAAAGTGTCCATGAAGGAGTCCATTTTTCT[CA>C]AAAAACACAATATCCTGCTGGTTGGGTTTATCTTGTGTAGATGCAATCAAACTGCCTGAG-3'

ClinVar aggregate classification (germline): Pathogenic (1 of 4 stars; one submission).

Conditions:
Familial dysautonomia. Also called: HSAN III; FD. Identifiers: Orphanet 1764, MedGen C0013364, MONDO:0009131, OMIM 223900. Disease mechanism: loss of function.

Submission:

Myriad Genetics, Inc.
Classification: Pathogenic for Familial dysautonomia. Last evaluated: 2025-10-22. Review status: criteria provided, single submitter. Criteria: Myriad Autosomal Dominant, Autosomal Recessive and X-Linked Classification Criteria (2023). Collection method: clinical testing. Allele origin: unknown.
Comment: NM_003640.3(ELP1):c.804delT(F268Lfs*22) is expected to be pathogenic in the context of familial dysautonomia. This variant is predicted to lead to an abnormal or absent protein product due to the creation of a premature termination codon in ELP1, a gene where loss-of-function variants are known to be pathogenic. Please note: this variant was assessed in the context of healthy population screening.